The following is an entry in ClinVar:

NM_001854.4(COL11A1):c.2831dup (p.Pro945fs)

Gene: COL11A1 (collagen type XI alpha 1 chain; minus strand). Cytogenetic location: 1p21.1.
Variant type: Duplication.
Coding change: c.2831dup on transcript NM_001854.4 (MANE Select); coding-DNA position 2831, one base duplicated (T; older notation c.2831dupT).
Protein change: p.Pro945fs; shifts the reading frame from proline 945.
Molecular consequence: frameshift variant. On other transcripts: non-coding transcript variant (1).
Genome position (GRCh38, 1-based): chr1:102,970,250, A duplicated on the plus strand (T on the coding strand, the reverse complement: COL11A1 is on the minus strand). VCF-style (leftmost placement, unchanged base first): chr1-102970249-C-CA. GRCh37 (hg19) VCF-style: chr1-103435805-C-CA.
Other names: c.2714dup, p.Pro906fs (NM_001190709.2); c.2867dup, p.Pro957fs (NM_080629.3); c.2483dup, p.Pro829fs (NM_080630.4); short protein forms P829fs, P945fs, P906fs, P957fs.
Identifiers: ClinVar variation 3644918 (VCV003644918.2).

ClinVar aggregate classification (germline): Pathogenic (1 of 4 stars; one submission).

Submission:

Labcorp Genetics (formerly Invitae), Labcorp
Classification: Pathogenic. Last evaluated: 2024-03-07. Review status: criteria provided, single submitter. Criteria: Invitae Variant Classification Sherloc (09022015). Collection method: clinical testing. Allele origin: germline.
Comment: This sequence change creates a premature translational stop signal (p.Pro945Alafs*33) in the COL11A1 gene. It is expected to result in an absent or disrupted protein product. Loss-of-function variants in COL11A1 are known to be pathogenic (PMID: 20513134, 21035103, 23922384, 25240749, 32427345, 32756486). This variant is not present in population databases (gnomAD no frequency). This variant has not been reported in the literature in individuals affected with COL11A1-related conditions. For these reasons, this variant has been classified as Pathogenic.

Literature cited by the submitters: PubMed 20513134; PubMed 21035103; PubMed 23922384; PubMed 25240749; PubMed 32427345; PubMed 32756486.